The following is an entry in ClinVar:

NC_000015.9:g.(?_48812846)_(48905299_?)dup

Gene: FBN1 (fibrillin 1; minus strand). Cytogenetic location: 15q21.1.
Variant type: Duplication.
Identifiers: ClinVar variation 1075899 (VCV001075899.7).

ClinVar aggregate classification (germline): Pathogenic (1 of 4 stars; one submission).

Conditions:
Familial thoracic aortic aneurysm and aortic dissection (TAAD). Also called: Thoracic aortic aneurysms and dissections. Identifiers: Orphanet 91387, MedGen C4707243, MONDO:0019625.
Marfan syndrome (MFS). Also called: Marfan syndrome type 1; Marfan's syndrome; Marfan syndrome, classic; MARFAN SYNDROME, TYPE I; FBN1-Related Marfan Syndrome. Identifiers: Orphanet 284963, Orphanet 558, MedGen C0024796, MONDO:0007947, OMIM 154700.

Submission:

Labcorp Genetics (formerly Invitae), Labcorp
Classification: Pathogenic for Marfan syndrome; Familial thoracic aortic aneurysm and aortic dissection. Last evaluated: 2021-01-29. Review status: criteria provided, single submitter. Criteria: Invitae Variant Classification Sherloc (09022015). Collection method: clinical testing. Allele origin: germline.
Comment: This variant has been observed in individual(s) with clinical features of Marfan syndrome (Invitae). In at least one individual the variant was observed to be de novo. For these reasons, this variant has been classified as Pathogenic. Loss-of-function variants in FBN1 are known to be pathogenic (PMID: 17657824, 19293843). This variant results in a copy number gain of the genomic region encompassing exon(s) 3-10 of the FBN1 gene. While the exact position of this variant cannot be determined from the data, sub-genic copy number gains are generally in tandem (PMID: 25640679). This variant is predicted to be out-of-frame, and may result in an absent or disrupted protein product.

Literature cited by the submitters: PubMed 17657824; PubMed 19293843; PubMed 25640679.